The following is an entry in ClinVar:

NM_015375.3(DSTYK):c.1232G>A (p.Arg411Gln)

Gene: DSTYK (dual serine/threonine and tyrosine protein kinase; minus strand). Cytogenetic location: 1q32.1.
Variant type: single nucleotide variant.
Coding change: c.1232G>A on transcript NM_015375.3 (MANE Select); coding-DNA position 1232, G replaced by A.
Protein change: p.Arg411Gln; replaces arginine 411 with glutamine.
Molecular consequence: missense variant.
Genome position (GRCh38, 1-based): chr1:205,169,255, C>T on the plus strand (G>A on the coding strand, the complement: DSTYK is on the minus strand). VCF-style: chr1-205169255-C-T. GRCh37 (hg19) VCF-style: chr1-205138383-C-T.
Other names: c.1232G>A, p.Arg411Gln (NM_199462.3); c.1232G>A (NM_015375.2); short protein forms R411Q.
Identifiers: ClinVar variation 2907775 (VCV002907775.4), dbSNP rs753805870, ClinGen allele CA1352893.

ClinVar aggregate classification (germline): Uncertain significance. Review status: criteria provided, multiple submitters, no conflicts (2 of 4 stars). 2 submissions from 2 submitters: Uncertain significance (2). Last evaluated 2025-08-27.

Allele frequency attached by ClinVar (database versions not stated): ExAC 0.00001.
gnomAD v4.1: 18 of 1,614,120 alleles (0.0011%); highest among the groups gnomAD compares: South Asian, 0.0033%; no homozygotes.

Submissions (2):

Ambry Genetics
Classification: Uncertain significance. Last evaluated: 2025-08-27. Review status: criteria provided, single submitter. Criteria: Ambry Variant Classification Scheme 2023. Collection method: clinical testing. Allele origin: germline.

Labcorp Genetics (formerly Invitae), Labcorp
Classification: Uncertain significance. Last evaluated: 2024-10-18. Review status: criteria provided, single submitter. Criteria: Invitae Variant Classification Sherloc (09022015). Collection method: clinical testing. Allele origin: germline.
Comment: This sequence change replaces arginine, which is basic and polar, with glutamine, which is neutral and polar, at codon 411 of the DSTYK protein (p.Arg411Gln). This variant is present in population databases (rs753805870, gnomAD 0.003%). This variant has not been reported in the literature in individuals affected with DSTYK-related conditions. An algorithm developed to predict the effect of missense changes on protein structure and function (PolyPhen-2) suggests that this variant is likely to be tolerated. In summary, the available evidence is currently insufficient to determine the role of this variant in disease. Therefore, it has been classified as a Variant of Uncertain Significance.